The following is an entry in ClinVar:

ClinVar aggregate classification (germline): Benign/Likely benign. Review status: criteria provided, multiple submitters, no conflicts (2 of 4 stars). 4 submissions from 4 submitters: Benign (2); Likely benign (2). Last evaluated 2025-12-21.

Conditions:
ARID1A-related disorder. Also called: ARID1A-related condition.
Intellectual disability, autosomal dominant 14 (CSS2). Also called: COFFIN-SIRIS SYNDROME 2. Identifiers: Orphanet 1465, MedGen C3553247, MONDO:0013819, OMIM 614607.

Allele frequency attached by ClinVar (database versions not stated): gnomAD exomes 0.00006 and 0.00019; gnomAD 0.00007 and 0.00008; TOPMed 0.00017; ExAC 0.00156.
gnomAD v4.1: 230 of 1,317,532 alleles (0.017%); highest among the groups gnomAD compares: East Asian, 0.022%; no homozygotes.

Submissions (4):

Labcorp Genetics (formerly Invitae), Labcorp
Classification: Benign. Last evaluated: 2025-12-21. Review status: criteria provided, single submitter. Criteria: Invitae Variant Classification Sherloc (09022015). Collection method: clinical testing. Allele origin: germline.

PreventionGenetics, part of Exact Sciences
Classification: Likely benign for ARID1A-related condition. Last evaluated: 2025-06-17. Review status: criteria provided, single submitter. Criteria: ACMG Guidelines, 2015. Collection method: clinical testing. Allele origin: germline.
Comment: This variant is classified as likely benign based on ACMG/AMP sequence variant interpretation guidelines (Richards et al. 2015 PMID: 25741868, with internal and published modifications).

Genome-Nilou Lab
Classification: Benign for Intellectual disability, autosomal dominant 14. Last evaluated: 2021-12-05. Review status: criteria provided, single submitter. Criteria: ACMG Guidelines, 2015. Collection method: clinical testing. Allele origin: germline. Affected: no.

Genetic Services Laboratory, University of Chicago
Classification: Likely benign. Last evaluated: 2016-11-02. Review status: criteria provided, single submitter. Criteria: ACMG Guidelines, 2015. Collection method: clinical testing. Allele origin: germline. Affected: no.

NM_006015.6(ARID1A):c.268A>G (p.Ser90Gly)

Gene: ARID1A (AT-rich interaction domain 1A; plus strand). Cytogenetic location: 1p36.11.
Variant type: single nucleotide variant.
Coding change: c.268A>G on transcript NM_006015.6 (MANE Select); coding-DNA position 268, A replaced by G.
Protein change: p.Ser90Gly; replaces serine 90 with glycine.
Molecular consequence: missense variant.
Genome position (GRCh38, 1-based): chr1:26,696,671, A>G. VCF-style: chr1-26696671-A-G. GRCh37 (hg19) VCF-style: chr1-27023162-A-G.
Other names: c.268A>G (LRG_875t1); c.268A>G, p.Ser90Gly (NM_139135.4); short protein forms S90G.
Identifiers: ClinVar variation 434314 (VCV000434314.17), dbSNP rs752026201, ClinGen allele CA706577.